The following is an entry in ClinVar:

NM_153026.3(PRICKLE1):c.1809T>A (p.Cys603Ter)

Gene: PRICKLE1 (prickle planar cell polarity protein 1; minus strand). Cytogenetic location: 12q12.
Variant type: single nucleotide variant.
Coding change: c.1809T>A on transcript NM_153026.3 (MANE Select); coding-DNA position 1809, T replaced by A.
Protein change: p.Cys603Ter; replaces cysteine 603 with a stop codon.
Molecular consequence: nonsense.
Genome position (GRCh38, 1-based): chr12:42,460,496, A>T on the plus strand (T>A on the coding strand, the complement: PRICKLE1 is on the minus strand). VCF-style: chr12-42460496-A-T. GRCh37 (hg19) VCF-style: chr12-42854298-A-T.
Other names: c.1809T>A, p.Cys603Ter (NM_001144881.2, NM_001144882.2, NM_001144883.2); short protein forms C603*.
Identifiers: ClinVar variation 3360919 (VCV003360919.2).

ClinVar aggregate classification (germline): Uncertain significance (1 of 4 stars; one submission).

Submission:

GeneDx
Classification: Uncertain significance. Last evaluated: 2026-04-02. Review status: criteria provided, single submitter. Criteria: GeneDx Variant Classification Process June 2021. Collection method: clinical testing. Allele origin: germline.
Comment: Not observed at significant frequency in large population cohorts (gnomAD); Has not been previously published as pathogenic or benign to our knowledge; Nonsense variant predicted to result in protein truncation as the last 229 amino acid(s) are lost with an unclear effect on protein function